The following is an entry in ClinVar:

NM_182943.3(PLOD2):c.335A>G (p.Glu112Gly)

Gene: PLOD2 (procollagen-lysine,2-oxoglutarate 5-dioxygenase 2; minus strand). Cytogenetic location: 3q24.
Variant type: single nucleotide variant.
Coding change: c.335A>G on transcript NM_182943.3 (MANE Select); coding-DNA position 335, A replaced by G.
Protein change: p.Glu112Gly; replaces glutamic acid 112 with glycine.
Molecular consequence: missense variant.
Genome position (GRCh38, 1-based): chr3:146,121,115, T>C on the plus strand (A>G on the coding strand, the complement: PLOD2 is on the minus strand). VCF-style: chr3-146121115-T-C. GRCh37 (hg19) VCF-style: chr3-145838902-T-C.
Other names: c.335A>G, p.Glu112Gly (NM_000935.3); short protein forms E112G.
Identifiers: ClinVar variation 902770 (VCV000902770.10), dbSNP rs759343908, ClinGen allele CA2655288.

ClinVar aggregate classification (germline): Uncertain significance. Review status: criteria provided, multiple submitters, no conflicts (2 of 4 stars). 4 submissions from 4 submitters: Uncertain significance (4). Last evaluated 2025-02-07.

Conditions:
Inborn genetic diseases. Identifiers: MedGen C0950123, MeSH D030342.
Bruck syndrome 2 (BRKS2). Also called: OSTEOGENESIS IMPERFECTA WITH CONGENITAL JOINT CONTRACTURES. Identifiers: Orphanet 2771, MedGen C1836602, MONDO:0012217, OMIM 609220.

Allele frequency attached by ClinVar (database versions not stated): gnomAD exomes 0.00001 and 0.00008; gnomAD 0.00004 and 0.00005; ExAC 0.00007; TOPMed 0.00007.
gnomAD v4.1: 32 of 1,598,138 alleles (0.002%); highest among the groups gnomAD compares: East Asian, 0.038%; no homozygotes.

Submissions (4):

Ambry Genetics
Classification: Uncertain significance for Inborn genetic diseases. Last evaluated: 2025-02-07. Review status: criteria provided, single submitter. Criteria: Ambry Variant Classification Scheme 2023. Collection method: clinical testing. Allele origin: germline.

Labcorp Genetics (formerly Invitae), Labcorp
Classification: Uncertain significance. Last evaluated: 2024-12-16. Review status: criteria provided, single submitter. Criteria: Invitae Variant Classification Sherloc (09022015). Collection method: clinical testing. Allele origin: germline.
Comment: This sequence change replaces glutamic acid, which is acidic and polar, with glycine, which is neutral and non-polar, at codon 112 of the PLOD2 protein (p.Glu112Gly). This variant is present in population databases (rs759343908, gnomAD 0.1%). This variant has not been reported in the literature in individuals affected with PLOD2-related conditions. ClinVar contains an entry for this variant (Variation ID: 902770). Invitae Evidence Modeling of protein sequence and biophysical properties (such as structural, functional, and spatial information, amino acid conservation, physicochemical variation, residue mobility, and thermodynamic stability) indicates that this missense variant is not expected to disrupt PLOD2 protein function with a negative predictive value of 80%. In summary, the available evidence is currently insufficient to determine the role of this variant in disease. Therefore, it has been classified as a Variant of Uncertain Significance.

Blueprint Genetics
Classification: Uncertain significance. Last evaluated: 2024-06-11. Review status: criteria provided, single submitter. Criteria: ACMG Guidelines, 2015. Collection method: clinical testing. Allele origin: germline.

Illumina Laboratory Services, Illumina
Classification: Uncertain significance for Bruck syndrome 2. Last evaluated: 2018-01-12. Review status: criteria provided, single submitter. Criteria: ICSL Variant Classification Criteria 13 December 2019. Collection method: clinical testing. Allele origin: germline.